The following is an entry in ClinVar:

NM_000138.5(FBN1):c.8242G>T (p.Glu2748Ter)

Gene: FBN1 (fibrillin 1; minus strand). Cytogenetic location: 15q21.1.
Variant type: single nucleotide variant.
Coding change: c.8242G>T on transcript NM_000138.5 (MANE Select); coding-DNA position 8242, G replaced by T.
Protein change: p.Glu2748Ter; replaces glutamic acid 2748 with a stop codon.
Molecular consequence: nonsense.
Genome position (GRCh38, 1-based): chr15:48,411,364, C>A on the plus strand (G>T on the coding strand, the complement: FBN1 is on the minus strand). VCF-style: chr15-48411364-C-A. GRCh37 (hg19) VCF-style: chr15-48703561-C-A.
Other names: c.8242G>T, p.Glu2748Ter (NM_001406716.1); short protein forms E2748*.
Identifiers: ClinVar variation 2017463 (VCV002017463.4), dbSNP rs1597506931, ClinGen allele CA392320169.

ClinVar aggregate classification (germline): Pathogenic (1 of 4 stars; one submission).

Conditions:
Familial thoracic aortic aneurysm and aortic dissection (TAAD). Also called: Thoracic aortic aneurysms and dissections. Identifiers: Orphanet 91387, MedGen C4707243, MONDO:0019625.
Marfan syndrome (MFS). Also called: MARFAN SYNDROME, TYPE I; Marfan syndrome type 1; Marfan's syndrome; Marfan syndrome, classic; FBN1-Related Marfan Syndrome. Identifiers: Orphanet 284963, Orphanet 558, MedGen C0024796, MONDO:0007947, OMIM 154700.

Submission:

Labcorp Genetics (formerly Invitae), Labcorp
Classification: Pathogenic for Marfan syndrome; Familial thoracic aortic aneurysm and aortic dissection. Last evaluated: 2022-07-15. Review status: criteria provided, single submitter. Criteria: Invitae Variant Classification Sherloc (09022015). Collection method: clinical testing. Allele origin: germline.
Comment: This variant has not been reported in the literature in individuals affected with FBN1-related conditions. This variant is not present in population databases (gnomAD no frequency). This sequence change creates a premature translational stop signal (p.Glu2748*) in the FBN1 gene. While this is not anticipated to result in nonsense mediated decay, it is expected to disrupt the last 124 amino acid(s) of the FBN1 protein. This variant disrupts a region of the FBN1 protein in which other variant(s) (p.Gln2867*) have been determined to be pathogenic (PMID: 19293843). This suggests that this is a clinically significant region of the protein, and that variants that disrupt it are likely to be disease-causing. For these reasons, this variant has been classified as Pathogenic.

Literature cited by the submitters: PubMed 19293843.